The following is an entry in ClinVar:

ClinVar aggregate classification (germline): Likely pathogenic (1 of 4 stars; one submission).

Conditions:
Ehlers-Danlos syndrome due to tenascin-X deficiency (EDSCLL1). Also called: EHLERS-DANLOS SYNDROME, CLASSIC-LIKE; Ehlers-Danlos syndrome, classic-like, 1; TNX DEFICIENCY; TNXB-Related Classical-Like Ehlers-Danlos Syndrome; EDS DUE TO TNX DEFICIENCY. Identifiers: Orphanet 230839, MedGen C1848029, MONDO:0011670, OMIM 606408.

Submission:

Juno Genomics, Hangzhou Juno Genomics, Inc
Classification: Likely pathogenic for Ehlers-Danlos syndrome due to tenascin-X deficiency. Review status: criteria provided, single submitter. Criteria: ACMG Guidelines, 2015. Collection method: clinical testing. Allele origin: germline.
Comment: Null variant in a gene where loss of function (LOF) is a known mechanism of disease.;Absent from controls (or at extremely low frequency if recessive) in Genome Aggregation Database.

NM_001365276.2(TNXB):c.1827dup (p.Gly610fs)

Gene: TNXB (tenascin XB; minus strand). Cytogenetic location: 6p21.33.
Variant type: Duplication.
Coding change: c.1827dup on transcript NM_001365276.2 (MANE Select); coding-DNA position 1827, one base duplicated (A; older notation c.1827dupA).
Protein change: p.Gly610fs; shifts the reading frame from glycine 610.
Molecular consequence: frameshift variant.
Genome position (GRCh38, 1-based): chr6:32,096,026, T duplicated on the plus strand (A on the coding strand, the reverse complement: TNXB is on the minus strand); the first of 2 consecutive T bases (chr6:32,096,026-32,096,027); duplicating either gives the same sequence. VCF-style (leftmost placement, unchanged base first): chr6-32096025-C-CT. GRCh37 (hg19) VCF-style: chr6-32063802-C-CT.
Other names: c.1827dup, p.Gly610fs (NM_001428335.1, NM_019105.8); short protein forms G610fs.
Identifiers: ClinVar variation 5007033 (VCV005007033.2).